The following is an entry in ClinVar:

ClinVar aggregate classification (germline): Uncertain significance. Review status: criteria provided, multiple submitters, no conflicts (2 of 4 stars). 5 submissions from 5 submitters: Uncertain significance (4). 1 of the submissions does not count toward it. Last evaluated 2024-02-16.

Conditions:
Inborn genetic diseases. Identifiers: MedGen C0950123, MeSH D030342.
MKKS-related disorder. Also called: MKKS-related condition; MKKS-related disorders.
Bardet-Biedl syndrome (BBS). Identifiers: Orphanet 110, MedGen C0752166, MONDO:0015229.
McKusick-Kaufman syndrome (MKKS). Also called: HYDROMETROCOLPOS SYNDROME; HYDROMETROCOLPOS, POSTAXIAL POLYDACTYLY, AND CONGENITAL HEART MALFORMATION. Identifiers: Orphanet 2473, MedGen C0948368, MONDO:0009367, OMIM 236700.

Allele frequency attached by ClinVar (database versions not stated): gnomAD exomes 0.00002 and 0.00008; gnomAD 0.00003; TOPMed 0.00003; ExAC 0.00004.
gnomAD v4.1: 31 of 1,613,670 alleles (0.0019%); highest among the groups gnomAD compares: Admixed American, 0.047%; no homozygotes.

Submissions (5):

Revvity Omics, Revvity
Classification: Uncertain significance. Last evaluated: 2024-02-16. Review status: criteria provided, single submitter. Criteria: ACMG Guidelines, 2015. Collection method: clinical testing. Allele origin: germline.

Labcorp Genetics (formerly Invitae), Labcorp
Classification: Uncertain significance for McKusick-Kaufman syndrome; Bardet-Biedl syndrome. Last evaluated: 2022-10-13. Review status: criteria provided, single submitter. Criteria: Invitae Variant Classification Sherloc (09022015). Collection method: clinical testing. Allele origin: germline.
Comment: This sequence change falls in intron 4 of the MKKS gene. It does not directly change the encoded amino acid sequence of the MKKS protein. It affects a nucleotide within the consensus splice site. This variant is present in population databases (rs761886025, gnomAD 0.06%). This variant has not been reported in the literature in individuals affected with MKKS-related conditions. ClinVar contains an entry for this variant (Variation ID: 499577). Variants that disrupt the consensus splice site are a relatively common cause of aberrant splicing (PMID: 17576681, 9536098). Algorithms developed to predict the effect of sequence changes on RNA splicing suggest that this variant is not likely to affect RNA splicing. In summary, the available evidence is currently insufficient to determine the role of this variant in disease. Therefore, it has been classified as a Variant of Uncertain Significance.

Ambry Genetics
Classification: Uncertain significance for Inborn genetic diseases. Last evaluated: 2021-12-07. Review status: criteria provided, single submitter. Criteria: Ambry Variant Classification Scheme 2023. Collection method: clinical testing. Allele origin: germline.
Comment: The c.1161+4G>A intronic alteration consists of a G to A substitution 4 nucleotides after exon 4 (coding exon 2) of the MKKS gene. Based on insufficient or conflicting evidence, the clinical significance of this alteration remains unclear.

Eurofins Ntd Llc (ga)
Classification: Uncertain significance. Last evaluated: 2017-01-20. Review status: criteria provided, single submitter. Criteria: EGL Classification Definitions 2015. Collection method: clinical testing. Allele origin: germline. Observed: 1 variant allele, 1 heterozygote.

PreventionGenetics, part of Exact Sciences
Classification: Likely benign for MKKS-related condition. Last evaluated: 2020-12-10. Review status: no assertion criteria provided. Collection method: clinical testing. Allele origin: germline. Not counted in ClinVar's aggregate classification.
Comment: This variant is classified as likely benign based on ACMG/AMP sequence variant interpretation guidelines (Richards et al. 2015 PMID: 25741868, with internal and published modifications).

Literature cited by the submitters: PubMed 17576681 (cited by Labcorp Genetics (formerly Invitae), Labcorp); PubMed 9536098 (cited by Labcorp Genetics (formerly Invitae), Labcorp).

NM_170784.3(MKKS):c.1161+4G>A

Gene: MKKS (MKKS centrosomal shuttling protein; minus strand). Cytogenetic location: 20p12.2.
Variant type: single nucleotide variant.
Coding change: c.1161+4G>A on transcript NM_170784.3 (MANE Select); 4 bases into the intron after coding-DNA position 1161, G replaced by A.
Molecular consequence: intron variant.
Genome position (GRCh38, 1-based): chr20:10,408,624, C>T on the plus strand (G>A on the coding strand, the complement: MKKS is on the minus strand). VCF-style: chr20-10408624-C-T. GRCh37 (hg19) VCF-style: chr20-10389272-C-T.
Other names: c.1161+4G>A (NM_018848.2, NM_018848.3).
Identifiers: ClinVar variation 499577 (VCV000499577.15), dbSNP rs761886025, ClinGen allele CA9763553.